The following is an entry in ClinVar:

NM_000122.2(ERCC3):c.1904A>G (p.Gln635Arg)

Gene: ERCC3 (ERCC excision repair 3, TFIIH core complex helicase subunit; minus strand). Cytogenetic location: 2q14.3.
Variant type: single nucleotide variant.
Coding change: c.1904A>G on transcript NM_000122.2 (MANE Select); coding-DNA position 1904, A replaced by G.
Protein change: p.Gln635Arg; replaces glutamine 635 with arginine.
Molecular consequence: missense variant.
Genome position (GRCh38, 1-based): chr2:127,271,377, T>C on the plus strand (A>G on the coding strand, the complement: ERCC3 is on the minus strand). VCF-style: chr2-127271377-T-C. GRCh37 (hg19) VCF-style: chr2-128028953-T-C.
Other names: c.1712A>G, p.Gln571Arg (NM_001303416.2, NM_001303418.2); short protein forms Q571R, Q635R.
Identifiers: ClinVar variation 1692162 (VCV001692162.1), dbSNP rs1460478816, ClinGen allele CA348387105.
Genomic context (GRCh38, chr2:127,271,377, plus strand): 5'-AGATGAAAGGCCACTTTACCTTTTTTAGCTCGAAGCACCCGCCCTAGCCTTTGGGCTTCC[T>C]GACGCCTGGAGCCACCATGGGATGAGATCTGAATGAGGACATTTGCTTCCGGCAGATCAA-3'
Protein context (NP_000113.1, residues 625-645): QISSHGGSRR[Gln635Arg]EAQRLGRVLR

ClinVar aggregate classification (germline): Uncertain significance (1 of 4 stars; one submission).

Conditions:
Xeroderma pigmentosum (XP). Identifiers: Orphanet 910, MedGen C0043346, MONDO:0019600.

Allele frequency attached by ClinVar (database versions not stated): TOPMed below 0.00001.
gnomAD v4.1: 2 of 1,614,180 alleles (0.00012%); no homozygotes.

Submission:

Sema4
Classification: Uncertain significance for Xeroderma pigmentosum. Last evaluated: 2022-03-09. Review status: criteria provided, single submitter. Criteria: Sema4 Curation Guidelines. Collection method: curation. Allele origin: germline.
Comment: The ERCC3 c.1904A>G (p.Q635R) variant has not been reported in the literature to our knowledge. This variant is not reported in the population database Genome Aggregation Database (PMID: 32461654). The variant has not been reported in ClinVar. In silico tools suggest the impact of the variant on protein function is deleterious, though these predictions have not been confirmed by functional studies. The evidence is insufficient to meet ACMG/AMP criteria for classifying the variant as benign or pathogenic. Thus, the clinical significance of this variant is currently uncertain.